The following is an entry in ClinVar:

ClinVar aggregate classification (germline): Uncertain significance (1 of 4 stars; one submission).

Conditions:
Inborn genetic diseases. Identifiers: MedGen C0950123, MeSH D030342.

Submission:

Ambry Genetics
Classification: Uncertain significance for Inborn genetic diseases. Last evaluated: 2025-05-25. Review status: criteria provided, single submitter. Criteria: Ambry Variant Classification Scheme 2023. Collection method: clinical testing. Allele origin: germline.
Comment: The p.L1434V variant (also known as c.4300T>G), located in coding exon 30 of the ANKRD26 gene, results from a T to G substitution at nucleotide position 4300. The leucine at codon 1434 is replaced by valine, an amino acid with highly similar properties. This amino acid position is conserved. In addition, this alteration is predicted to be tolerated by in silico analysis. Based on the available evidence, the clinical significance of this variant remains unclear.

NM_014915.3(ANKRD26):c.4300T>G (p.Leu1434Val)

Gene: ANKRD26 (ankyrin repeat domain containing 26; minus strand). Cytogenetic location: 10p12.1.
Variant type: single nucleotide variant.
Coding change: c.4300T>G on transcript NM_014915.3 (MANE Select); coding-DNA position 4300, T replaced by G.
Protein change: p.Leu1434Val; replaces leucine 1434 with valine.
Molecular consequence: missense variant.
Genome position (GRCh38, 1-based): chr10:27,017,708, A>C on the plus strand (T>G on the coding strand, the complement: ANKRD26 is on the minus strand). VCF-style: chr10-27017708-A-C. GRCh37 (hg19) VCF-style: chr10-27306637-A-C.
Other names: c.4297T>G, p.Leu1433Val (NM_001256053.2); short protein forms L1434V, L1433V.
Identifiers: ClinVar variation 3914787 (VCV003914787.1).